The following is an entry in ClinVar:

NM_001034116.2(EIF2B4):c.805_806del (p.Leu269fs)

Genes: EIF2B4 (eukaryotic translation initiation factor 2B subunit delta; minus strand), GTF3C2-AS2 (GTF3C2 antisense RNA 2; plus strand). Cytogenetic location: 2p23.3.
Variant type: Deletion.
Coding change: c.805_806del on transcript NM_001034116.2 (MANE Select); coding-DNA positions 805 to 806, 2 bases deleted (CT; older notation c.805_806delCT).
Protein change: p.Leu269fs; shifts the reading frame from leucine 269.
Molecular consequence: frameshift variant.
Genome position (GRCh38, 1-based): chr2:27,367,536-27,367,537, AG deleted on the plus strand (CT on the coding strand, the reverse complement: EIF2B4 is on the minus strand). VCF-style (leftmost placement, unchanged base first): chr2-27367535-CAG-C. GRCh37 (hg19) VCF-style: chr2-27590402-CAG-C.
Other names: c.868_869del, p.Leu290fs (NM_001318965.2); c.760_761del, p.Leu254fs (NM_001318966.2); c.712_713del, p.Leu238fs (NM_001318967.2); c.220_221del, p.Leu74fs (NM_001318968.2); c.187_188del, p.Leu63fs (NM_001318969.2); c.802_803del, p.Leu268fs (NM_015636.4); c.865_866del, p.Leu289fs (NM_172195.4); short protein forms L268fs, L74fs, L238fs, L254fs, L269fs, L289fs, L290fs, L63fs.
Identifiers: ClinVar variation 2189501 (VCV002189501.5), dbSNP rs775042965, ClinGen allele CA1576764.

ClinVar aggregate classification (germline): Conflicting classifications of pathogenicity. Review status: criteria provided, conflicting classifications (1 of 4 stars). 2 submissions from 2 submitters: Pathogenic (1); Uncertain significance (1). Last evaluated 2024-06-26.

Allele frequency attached by ClinVar (database versions not stated): ExAC 0.00001; gnomAD 0.00001; gnomAD exomes 0.00001; TOPMed 0.00002.

Submissions (2):

Blueprint Genetics
Classification: Uncertain significance. Last evaluated: 2024-06-26. Review status: criteria provided, single submitter. Criteria: ACMG Guidelines, 2015. Collection method: clinical testing. Allele origin: germline.

Labcorp Genetics (formerly Invitae), Labcorp
Classification: Pathogenic. Last evaluated: 2022-08-01. Review status: criteria provided, single submitter. Criteria: Invitae Variant Classification Sherloc (09022015). Collection method: clinical testing. Allele origin: germline.
Comment: This sequence change creates a premature translational stop signal (p.Leu268Valfs*12) in the EIF2B4 gene. It is expected to result in an absent or disrupted protein product. Loss-of-function variants in EIF2B4 are known to be pathogenic (PMID: 11835386, 15776425, 16807905). This variant is present in population databases (rs775042965, gnomAD 0.006%). This variant has not been reported in the literature in individuals affected with EIF2B4-related conditions. For these reasons, this variant has been classified as Pathogenic.

Literature cited by the submitters: PubMed 11835386 (cited by Labcorp Genetics (formerly Invitae), Labcorp); PubMed 15776425 (cited by Labcorp Genetics (formerly Invitae), Labcorp); PubMed 16807905 (cited by Labcorp Genetics (formerly Invitae), Labcorp).